The following is an entry in ClinVar:

NM_000101.4(CYBA):c.214T>C (p.Tyr72His)

Gene: CYBA (cytochrome b-245 alpha chain; minus strand). Cytogenetic location: 16q24.2.
Variant type: single nucleotide variant.
Coding change: c.214T>C on transcript NM_000101.4 (MANE Select); coding-DNA position 214, T replaced by C.
Protein change: p.Tyr72His; replaces tyrosine 72 with histidine.
Molecular consequence: missense variant.
Genome position (GRCh38, 1-based): chr16:88,646,828, A>G on the plus strand (T>C on the coding strand, the complement: CYBA is on the minus strand). VCF-style: chr16-88646828-A-G. GRCh37 (hg19) VCF-style: chr16-88713236-A-G.
Other names: CYBA, HIS72TYR, 242C-T; H72Y; c.214T>C (NM_000101.2); short protein forms Y72H.
Identifiers: ClinVar variation 2263 (VCV000002263.26), dbSNP rs4673, ClinGen allele CA115456.
Genomic context (GRCh38, chr16:88,646,828, plus strand): 5'-CGGCCCGAACATAGTAATTCCTGGTAAAGGGCCCGAACAGCTTCACCACGGCGGTCATGT[A>G]CTTCTGTCCCCTGGGGGAGGGAGGAAGGCGAGACGGCGCGGCTGGGCCTCTCCCACTCGG-3'
Protein context (NP_000092.2, residues 62-82): GSTMERWGQK[Tyr72His]MTAVVKLFGP

ClinVar aggregate classification (germline): Benign/Likely benign. Review status: criteria provided, multiple submitters, no conflicts (2 of 4 stars). 16 submissions from 16 submitters: Benign (10); Likely benign (1). 5 of the submissions do not count toward it. Last evaluated 2026-02-04.

Conditions:
Very early onset inflammatory bowel disease.
Chronic granulomatous disease. Identifiers: Orphanet 379, MedGen C0018203, MONDO:0018305.
Granulomatous disease, chronic, autosomal recessive, cytochrome b-negative. Also called: Chronic granulomatous disease, autosomal, due to deficiency of CYBA; CGD DUE TO DEFICIENCY OF THE ALPHA SUBUNIT OF CYTOCHROME b; CGD, AUTOSOMAL RECESSIVE CYTOCHROME b-NEGATIVE; CYBA DEFICIENCY; GRANULOMATOUS DISEASE, CHRONIC, AUTOSOMAL RECESSIVE, 4. Identifiers: Orphanet 379, MedGen C1856255, MONDO:0009308, OMIM 233690.
CYBA POLYMORPHISM.

Allele frequency attached by ClinVar (database versions not stated): TOPMed 0.64302; gnomAD 0.64973 and 0.65279; 1000 Genomes Project 30x 0.65881; 1000 Genomes Project 0.66434; gnomAD exomes 0.67401 and 0.69770; ExAC 0.69083.
gnomAD v4.1: 1,082,926 of 1,612,206 alleles (67%); highest among the groups gnomAD compares: East Asian, 91%; 367,613 homozygotes.

Submissions (16):

Labcorp Genetics (formerly Invitae), Labcorp
Classification: Benign for Granulomatous disease, chronic, autosomal recessive, cytochrome b-negative. Last evaluated: 2026-02-04. Review status: criteria provided, single submitter. Criteria: Invitae Variant Classification Sherloc (09022015). Collection method: clinical testing. Allele origin: germline.

Blueprint Genetics
Classification: Likely benign. Last evaluated: 2024-11-27. Review status: criteria provided, single submitter. Criteria: ACMG Guidelines, 2015. Collection method: clinical testing. Allele origin: germline.

Unidad de Genómica Garrahan, Hospital de Pediatría Garrahan
Classification: Benign. Last evaluated: 2024-01-24. Review status: criteria provided, single submitter. Criteria: ACMG Guidelines, 2015. Collection method: clinical testing. Allele origin: germline. Affected: no. Observed: 88 variant alleles.
Comment: This variant is classified as Benign based on local population frequency. This variant was detected in 93% of patients studied by a panel of primary immunodeficiencies. Number of patients: 88. Only high quality variants are reported.

Department of Pathology and Laboratory Medicine, Sinai Health System
Classification: Benign for granulomatous disease, chronic, autosomal recessive, cytochrome b-negative. Last evaluated: 2023-04-17. Review status: criteria provided, single submitter. Criteria: ACMG Guidelines, 2015. Collection method: research. Allele origin: germline.

Women's Health and Genetics/Laboratory Corporation of America, LabCorp
Classification: Benign. Last evaluated: 2021-12-16. Review status: criteria provided, single submitter. Criteria: LabCorp Variant Classification Summary - May 2015. Collection method: clinical testing. Allele origin: germline.
Comment: Variant summary: CYBA c.214T>C (p.Tyr72His) results in a conservative amino acid change in the encoded protein sequence. Four of five in-silico tools predict a benign effect of the variant on protein function. The variant allele was found at a frequency of 0.7 in 250626 control chromosomes, suggesting that it is the major allele and therefore benign. The observed variant frequency is approximately 1139 fold of the estimated maximal expected allele frequency for a pathogenic variant in CYBA causing Chronic Granulomatous Disease phenotype (0.00061), strongly suggesting that the variant is benign. To our knowledge, no occurrence of c.214T>C in individuals affected with Chronic Granulomatous Disease and no experimental evidence demonstrating its impact on protein function have been reported. Five ClinVar submitters have assessed the clinical significance of this variant after 2014: four have classified the variant as benign and one as likely pathogenic. Based on the evidence outlined above, the variant was classified as benign.

Genome-Nilou Lab
Classification: Benign for Granulomatous disease, chronic, autosomal recessive, cytochrome b-negative. Last evaluated: 2021-06-10. Review status: criteria provided, single submitter. Criteria: ACMG Guidelines, 2015. Collection method: clinical testing. Allele origin: germline. Affected: no.

Mendelics
Classification: Benign for Granulomatous disease, chronic, autosomal recessive, cytochrome b-negative. Last evaluated: 2019-05-28. Review status: criteria provided, single submitter. Criteria: Mendelics Assertion Criteria 2017. Collection method: clinical testing. Allele origin: unknown.

Mayo Clinic Laboratories, Mayo Clinic
Classification: Benign. Last evaluated: 2018-06-06. Review status: criteria provided, single submitter. Criteria: ACMG Guidelines, 2015. Collection method: clinical testing. Allele origin: germline. Observed: 323 variant alleles.

GeneDx
Classification: Benign. Last evaluated: 2015-03-03. Review status: criteria provided, single submitter. Criteria: GeneDx Variant Classification Process June 2021. Collection method: clinical testing. Allele origin: germline. Affected: yes.
Comment: This variant is associated with the following publications: (PMID: 30709874, 17383305, 21884584, 18799874, 19689263, 11023926, 15078863, 23821607, 22396743, 23409188, 25095657, 23040216, 9445163, 24339896, 24392120, 29132304, 29454792)

Breakthrough Genomics
Classification: Benign. Review status: criteria provided, single submitter. Criteria: ACMG Guidelines, 2015. Collection method: not provided. Allele origin: germline. Inheritance: Autosomal recessive inheritance. Affected: yes.

PreventionGenetics, part of Exact Sciences
Classification: Benign. Review status: criteria provided, single submitter. Criteria: ACMG Guidelines, 2015. Collection method: clinical testing. Allele origin: germline.

Natera, Inc.
Classification: Benign for Chronic granulomatous disease. Last evaluated: 2019-11-18. Review status: no assertion criteria provided. Collection method: clinical testing. Allele origin: germline. Not counted in ClinVar's aggregate classification.

Institute of Clinical Molecular Biology, Kiel University
Classification: Likely pathogenic for Very early onset inflammatory bowel disease. Last evaluated: 2018-11-06. Review status: no assertion criteria provided. Collection method: research. Allele origin: inherited. Inheritance: Autosomal recessive inheritance. Affected: yes. Not counted in ClinVar's aggregate classification.

OMIM
Classification: Benign for CYBA POLYMORPHISM. Last evaluated: 2009-07-01. Review status: no assertion criteria provided. Collection method: literature only. Allele origin: germline. Not counted in ClinVar's aggregate classification.

Diagnostic Laboratory, Department of Genetics, University Medical Center Groningen
Classification: Benign. Review status: no assertion criteria provided. Collection method: clinical testing. Allele origin: germline. Affected: yes. Study: VKGL Data-share Consensus. Not counted in ClinVar's aggregate classification.

Genome Diagnostics Laboratory, University Medical Center Utrecht
Classification: Benign. Review status: no assertion criteria provided. Collection method: clinical testing. Allele origin: germline. Affected: yes. Study: VKGL Data-share Consensus. Not counted in ClinVar's aggregate classification.

Literature cited by the submitters: PubMed 30709874 (cited by Institute of Clinical Molecular Biology, Kiel University); PubMed 3368442 (cited by OMIM); PubMed 9445163 (cited by OMIM); PubMed 10440830 (cited by OMIM); PubMed 19388116 (cited by OMIM).